The following is an entry in ClinVar:

ClinVar aggregate classification (germline): Conflicting classifications of pathogenicity. Review status: criteria provided, conflicting classifications (1 of 4 stars). 3 submissions from 3 submitters: Uncertain significance (2); Benign (1). Last evaluated 2026-08-06.

Conditions:
Cardiac anomalies - developmental delay - facial dysmorphism syndrome (MRFACD). Also called: Impaired intellectual development and distinctive facial features with or without cardiac defects; MED13L Syndrome. Identifiers: Orphanet 369891, MedGen C5192431, MONDO:0014773, OMIM 616789.
Dextro-looped transposition of the great arteries. Also called: Dextrotransposition of the great arteries. Identifiers: Orphanet 860, MedGen C3531771, MONDO:0019443, OMIM 608808, HP:0031348.
Inborn genetic diseases. Identifiers: MedGen C0950123, MeSH D030342.

Allele frequency attached by ClinVar (database versions not stated): gnomAD exomes below 0.00001; TOPMed 0.00001.
gnomAD v4.1: 2 of 1,614,006 alleles (0.00012%); highest among the groups gnomAD compares: Non-Finnish European, 0.000085%; no homozygotes.

Submissions (3):

OLLIN Analises Genomicas, OLLIN
Classification: Uncertain significance for Cardiac anomalies - developmental delay - facial dysmorphism syndrome. Last evaluated: 2026-08-06. Review status: criteria provided, single submitter. Criteria: ACMG Guidelines 2015 PMID 25741868. Collection method: clinical testing. Allele origin: germline. Inheritance: Autosomal dominant inheritance.
Comment: This missense variant, located in exon 26 (of 31), has been reported in ClinVar (accession VCV002248761.4) and in gnomAD with an allele frequency of 0.00012%. However, to our knowledge, it has not been reported in the scientific literature. In silico analysis is inconclusive regarding the impact of this variant. This gene is constrained for missense variation. According to the currently available evidence, this variant has been classified as uncertain significance (PP2).

Labcorp Genetics (formerly Invitae), Labcorp
Classification: Benign for Dextro-looped transposition of the great arteries. Last evaluated: 2024-04-05. Review status: criteria provided, single submitter. Criteria: Invitae Variant Classification Sherloc (09022015). Collection method: clinical testing. Allele origin: germline.

Ambry Genetics
Classification: Uncertain significance for Inborn genetic diseases. Last evaluated: 2021-09-14. Review status: criteria provided, single submitter. Criteria: Ambry Variant Classification Scheme 2023. Collection method: clinical testing. Allele origin: germline.

NM_015335.5(MED13L):c.5773A>G (p.Ser1925Gly)

Gene: MED13L (mediator complex subunit 13L; minus strand). Cytogenetic location: 12q24.21.
Variant type: single nucleotide variant.
Coding change: c.5773A>G on transcript NM_015335.5 (MANE Select); coding-DNA position 5773, A replaced by G.
Protein change: p.Ser1925Gly; replaces serine 1925 with glycine.
Molecular consequence: missense variant.
Genome position (GRCh38, 1-based): chr12:115,972,195, T>C on the plus strand (A>G on the coding strand, the complement: MED13L is on the minus strand). VCF-style: chr12-115972195-T-C. GRCh37 (hg19) VCF-style: chr12-116410000-T-C.
Other names: short protein forms S1925G.
Identifiers: ClinVar variation 2248761 (VCV002248761.5), dbSNP rs752560133, ClinGen allele CA244134341.